The following is an entry in ClinVar:

NC_000011.9:g.(47238024_47238408)_(47254511_47256123)del

Gene: DDB2 (damage specific DNA binding protein 2; plus strand). Cytogenetic location: 11p11.2.
Variant type: Deletion.
Identifiers: ClinVar variation 3366825 (VCV003366825.1).

ClinVar aggregate classification (germline): Pathogenic (1 of 4 stars; one submission).

Conditions:
Xeroderma pigmentosum (XP). Identifiers: Orphanet 910, MedGen C0043346, MONDO:0019600.

Submission:

Women's Health and Genetics/Laboratory Corporation of America, LabCorp
Classification: Pathogenic for Xeroderma pigmentosum. Last evaluated: 2024-08-13. Review status: criteria provided, single submitter. Criteria: LabCorp Variant Classification Summary - May 2015. Collection method: clinical testing. Allele origin: germline.
Comment: Variant summary: The variant involves the deletion of exons 3-4 in the DDB2 gene. A presumed nomenclature of c.(264+1_265-1)_(602+1_603-1)del has been designated for the purposes of this classification. This Copy Number Variant (CNV) is expected to alter the reading frame and predicted to result in a truncation or absence of the encoded protein due to nonsense mediated decay (NMD). The variant was absent in 21694 control chromosomes. To our knowledge, no occurrence of c.(264+1_265-1)_(602+1_603-1)del in individuals affected with Xeroderma Pigmentosum and no experimental evidence demonstrating its impact on protein function have been reported. No submitters have cited clinical-significance assessments for this variant to ClinVar. Based on the evidence outlined above, the variant was classified as pathogenic.